The following is an entry in ClinVar:

ClinVar aggregate classification (germline): Uncertain significance (1 of 4 stars; one submission).

Submission:

Ambry Genetics
Classification: Uncertain significance. Last evaluated: 2024-04-08. Review status: criteria provided, single submitter. Criteria: Ambry Variant Classification Scheme 2023. Collection method: clinical testing. Allele origin: germline.
Comment: The p.S139F variant (also known as c.416C>T), located in coding exon 4 of the KIF1B gene, results from a C to T substitution at nucleotide position 416. The serine at codon 139 is replaced by phenylalanine, an amino acid with highly dissimilar properties. This amino acid position is well conserved in available vertebrate species. In addition, this alteration is predicted to be deleterious by in silico analysis. The evidence for this gene-disease relationship is limited; therefore, the clinical significance of this alteration is unclear.

NM_001365951.3(KIF1B):c.416C>T (p.Ser139Phe)

Genes: KIF1B (kinesin family member 1B; plus strand), LOC129388447 (MPRA-validated peak65 silencer; plus strand). Cytogenetic location: 1p36.22.
Variant type: single nucleotide variant.
Coding change: c.416C>T on transcript NM_001365951.3 (MANE Select); coding-DNA position 416, C replaced by T.
Protein change: p.Ser139Phe; replaces serine 139 with phenylalanine.
Molecular consequence: missense variant.
Genome position (GRCh38, 1-based): chr1:10,261,957, C>T. VCF-style: chr1-10261957-C-T. GRCh37 (hg19) VCF-style: chr1-10322015-C-T.
Other names: c.416C>T, p.Ser139Phe (NM_001365952.1, NM_001365953.1, NM_015074.3 and 1 more transcripts); short protein forms S139F.
Identifiers: ClinVar variation 3288412 (VCV003288412.1).